The following is an entry in ClinVar:

ClinVar aggregate classification (germline): Uncertain significance (1 of 4 stars; one submission).

Conditions:
Ebstein-Bezieau neurodevelopmental syndrome. Identifiers: MedGen CN381040, MONDO:0981163, OMIM 621539.
Deafness, cataract, impaired intellectual development, and polyneuropathy. Identifiers: MedGen C5543482, MONDO:0859159, OMIM 619354.

gnomAD v4.1: 2 of 1,614,138 alleles (0.00012%); highest among the groups gnomAD compares: Non-Finnish European, 0.00017%; no homozygotes.

Submission:

Juno Genomics, Hangzhou Juno Genomics, Inc
Classification: Uncertain significance for Deafness, cataract, impaired intellectual development, and polyneuropathy; Ebstein-Bezieau neurodevelopmental syndrome. Review status: criteria provided, single submitter. Criteria: ACMG Guidelines, 2015. Collection method: clinical testing. Allele origin: germline.
Comment: Absent from controls (or at extremely low frequency if recessive) in Genome Aggregation Database.;Missense variant in a gene that has a low rate of benign missense variation.;Multiple lines of computational evidence support a deleterious effect on the gene or gene product.

NM_002804.5(PSMC3):c.545C>T (p.Thr182Met)

Gene: PSMC3 (proteasome 26S subunit, ATPase 3; minus strand). Cytogenetic location: 11p11.2.
Variant type: single nucleotide variant.
Coding change: c.545C>T on transcript NM_002804.5 (MANE Select); coding-DNA position 545, C replaced by T.
Protein change: p.Thr182Met; replaces threonine 182 with methionine.
Molecular consequence: missense variant.
Genome position (GRCh38, 1-based): chr11:47,424,092, G>A on the plus strand (C>T on the coding strand, the complement: PSMC3 is on the minus strand). VCF-style: chr11-47424092-G-A. GRCh37 (hg19) VCF-style: chr11-47445643-G-A.
Other names: short protein forms T182M.
Identifiers: ClinVar variation 5019408 (VCV005019408.2).
Genomic context (GRCh38, chr11:47,424,092, plus strand): 5'-CGTGCCTCCCTCACCTCCTGGATCTGCTTGTCCAAACCCCCAATGTCACTGTATTGCTCC[G>A]TGGGCCTCTCGTCTACCTCCATGGCCTTCACCCGCGAGTCATACTCTGTGGGCAGCGTCT-3'
Protein context (NP_002795.2, residues 172-192): VKAMEVDERP[Thr182Met]EQYSDIGGLD